The following is an entry in ClinVar:

ClinVar aggregate classification (germline): Likely pathogenic. Review status: criteria provided, multiple submitters, no conflicts (2 of 4 stars). 3 submissions from 3 submitters: Likely pathogenic (2). 1 of the submissions does not count toward it. Last evaluated 2026-06-12.

Conditions:
Leukodystrophy, hypomyelinating, 14. Identifiers: MedGen C4693535, MONDO:0033486, OMIM 617899.

Allele frequency attached by ClinVar (database versions not stated): gnomAD exomes below 0.00001; TOPMed 0.00005; gnomAD 0.00002.
gnomAD v4.1: 9 of 1,607,616 alleles (0.00056%); highest among the groups gnomAD compares: African/African-American, 0.0094%; no homozygotes.

Submissions (3):

GeneDx
Classification: Likely pathogenic. Last evaluated: 2026-06-12. Review status: criteria provided, single submitter. Criteria: GeneDx Variant Classification Process June 2021. Collection method: clinical testing. Allele origin: germline.
Comment: Published functional studies demonstrate a decreased ability to form thioester bonds with UBA5 and UFC1 as well as decreased protein ufmylation (PMID: 29868776); In silico analysis supports that this missense variant has a deleterious effect on protein structure/function; This variant is associated with the following publications: (PMID: 37644014, 29868776)

Labcorp Genetics (formerly Invitae), Labcorp
Classification: Likely pathogenic. Last evaluated: 2024-04-04. Review status: criteria provided, single submitter. Criteria: Invitae Variant Classification Sherloc (09022015). Collection method: clinical testing. Allele origin: germline.
Comment: This sequence change replaces arginine, which is basic and polar, with cysteine, which is neutral and slightly polar, at codon 99 of the UFM1 protein (p.Arg99Cys). This variant is present in population databases (no rsID available, gnomAD 0.01%). This missense change has been observed in individual(s) with hypomyelinating leukodystrophy (PMID: 29868776). It has also been observed to segregate with disease in related individuals. ClinVar contains an entry for this variant (Variation ID: 559446). An algorithm developed to predict the effect of missense changes on protein structure and function (PolyPhen-2) suggests that this variant is likely to be tolerated. Experimental studies have shown that this missense change affects UFM1 function (PMID: 29868776). Algorithms developed to predict the effect of sequence changes on RNA splicing suggest that this variant may disrupt the consensus splice site. In summary, the currently available evidence indicates that the variant is pathogenic, but additional data are needed to prove that conclusively. Therefore, this variant has been classified as Likely Pathogenic.

OMIM
Classification: Pathogenic for LEUKODYSTROPHY, HYPOMYELINATING, 14. Last evaluated: 2018-08-07. Review status: no assertion criteria provided. Collection method: literature only. Allele origin: germline. Not counted in ClinVar's aggregate classification.

Literature cited by the submitters: PubMed 29868776 (cited by Labcorp Genetics (formerly Invitae), Labcorp and OMIM).

NM_016617.4(UFM1):c.241C>T (p.Arg81Cys)

Gene: UFM1 (ubiquitin fold modifier 1; plus strand). Cytogenetic location: 13q13.3.
Variant type: single nucleotide variant.
Coding change: c.241C>T on transcript NM_016617.4 (MANE Select); coding-DNA position 241, C replaced by T.
Protein change: p.Arg81Cys; replaces arginine 81 with cysteine.
Molecular consequence: missense variant. On other transcripts: 3 prime UTR variant (2), non-coding transcript variant (2).
Genome position (GRCh38, 1-based): chr13:38,360,761, C>T. VCF-style: chr13-38360761-C-T. GRCh37 (hg19) VCF-style: chr13-38934898-C-T.
Other names: c.235C>T, p.Arg79Cys (NM_001286703.2); c.295C>T, p.Arg99Cys (NM_001286704.2); c.*61C>T (NM_001286705.2); c.*695C>T (NM_001286706.2); c.295C>T (NM_001286704.1); short protein forms R81C, R79C, R99C.
Identifiers: ClinVar variation 559446 (VCV000559446.6), dbSNP rs1033946108, ClinGen allele CA248785090.
Genomic context (GRCh38, chr13:38,360,761, plus strand): 5'-GTTTGTATAGGAAATGTTTTTCTAAAACATGGTTCAGAACTGCGGATTATTCCTAGAGAT[C>T]GTGTTGGAAGTTGTTAATATCTGCTACTTGGAACATACGATTGCCTTTCAGAATAAATAT-3'
Protein context (NP_057701.1, residues 71-85): GSELRIIPRD[Arg81Cys]VGSC